The following is an entry in ClinVar:

ClinVar aggregate classification (germline): Likely benign (1 of 4 stars; one submission).

Submission:

CeGaT Center for Human Genetics Tuebingen
Classification: Likely benign. Last evaluated: 2023-01-01. Review status: criteria provided, single submitter. Criteria: CeGaT Center For Human Genetics Tuebingen Variant Classification Criteria Version 2. Collection method: clinical testing. Allele origin: germline. Affected: yes. Observed: 1 variant allele.
Comment: MUC4: BP4, BP7

NM_018406.7(MUC4):c.5679C>T (p.Asp1893=)

Gene: MUC4 (mucin 4, cell surface associated). Cytogenetic location: 3q29.
Variant type: single nucleotide variant.
Coding change: c.5679C>T on transcript NM_018406.7 (MANE Select); coding-DNA position 5679, C replaced by T.
Protein change: p.Asp1893=; no amino-acid change (aspartic acid 1893 retained).
Molecular consequence: synonymous variant. On other transcripts: genic upstream transcript variant (2).
Genome position (GRCh38, 1-based): chr3:195,785,901, G>A on the plus strand (C>T on the coding strand, the complement: MUC4 is on the minus strand). VCF-style: chr3-195785901-G-A. GRCh37 (hg19) VCF-style: chr3-195512772-G-A.
Other names: c.8334C>T, p.Ser2778= (NM_001322468.1); c.83-11596C>T (NM_138297.5); c.83-7446C>T (NM_004532.6).
Identifiers: ClinVar variation 2654470 (VCV002654470.24), dbSNP rs751134248, ClinGen allele CA2773571.